The following is an entry in ClinVar:

ClinVar aggregate classification (germline): Pathogenic. Review status: criteria provided, multiple submitters, no conflicts (2 of 4 stars). 3 submissions from 3 submitters: Pathogenic (2). 1 of the submissions does not count toward it. Last evaluated 2023-10-03.

Conditions:
TIMP3-related disorder. Also called: TIMP3-related condition.
Sorsby fundus dystrophy (SFD). Also called: Sorsby fundus dystrophy, Lavia type; FUNDUS DYSTROPHY, PSEUDOINFLAMMATORY, OF SORSBY; MACULAR DYSTROPHY, HEMORRHAGIC. Identifiers: Orphanet 59181, MedGen C1850938, MONDO:0007640, OMIM 136900.

Submissions (3):

Labcorp Genetics (formerly Invitae), Labcorp
Classification: Pathogenic. Last evaluated: 2023-10-03. Review status: criteria provided, single submitter. Criteria: Invitae Variant Classification Sherloc (09022015). Collection method: clinical testing. Allele origin: germline.
Comment: This sequence change replaces tyrosine, which is neutral and polar, with cysteine, which is neutral and slightly polar, at codon 191 of the TIMP3 protein (p.Tyr191Cys). This variant is not present in population databases (gnomAD no frequency). This missense change has been observed in individuals with Sorsby fundus dystrophy (PMID: 7894485, 27601084). It has also been observed to segregate with disease in related individuals. ClinVar contains an entry for this variant (Variation ID: 12677). An algorithm developed to predict the effect of missense changes on protein structure and function (PolyPhen-2) suggests that this variant is likely to be disruptive. For these reasons, this variant has been classified as Pathogenic.

Blueprint Genetics
Classification: Pathogenic for TIMP3-related disorders. Last evaluated: 2022-04-23. Review status: criteria provided, single submitter. Criteria: ACMG Guidelines, 2015. Collection method: clinical testing. Allele origin: germline. Affected: yes. Observed: 1 variant allele.

OMIM
Classification: Pathogenic for SORSBY FUNDUS DYSTROPHY. Last evaluated: 1994-12-01. Review status: no assertion criteria provided. Collection method: literature only. Allele origin: germline. Not counted in ClinVar's aggregate classification.

Literature cited by the submitters: PubMed 7894485 (cited by Labcorp Genetics (formerly Invitae), Labcorp and OMIM); PubMed 27601084 (cited by Labcorp Genetics (formerly Invitae), Labcorp).

NM_000362.5(TIMP3):c.572A>G (p.Tyr191Cys)

Genes: SYN3 (synapsin III; minus strand), TIMP3 (TIMP metallopeptidase inhibitor 3; plus strand). Cytogenetic location: 22q12.3.
Variant type: single nucleotide variant.
Coding change: c.572A>G on transcript NM_000362.5 (MANE Select); coding-DNA position 572, A replaced by G.
Protein change: p.Tyr191Cys; replaces tyrosine 191 with cysteine.
Molecular consequence: missense variant. On other transcripts: intron variant (7).
Genome position (GRCh38, 1-based): chr22:32,859,313, A>G. VCF-style: chr22-32859313-A-G. GRCh37 (hg19) VCF-style: chr22-33255300-A-G.
Other names: Y168C; c.708+5602T>C (NM_001369909.1, NM_001135774.2, NM_001369910.1); c.711+5602T>C (NM_001369907.1, NM_003490.4, NM_001369908.1 and 1 more transcripts); short protein forms Y191C.
Identifiers: ClinVar variation 12677 (VCV000012677.8), dbSNP rs137853299, ClinGen allele CA122620.